The following is an entry in ClinVar:

NC_000017.10:g.(?_29645324)_(29686053_?)del

Genes: EVI2A (ecotropic viral integration site 2A; minus strand), NF1 (neurofibromin 1; plus strand). Cytogenetic location: 17q11.2.
Variant type: Deletion.
Identifiers: ClinVar variation 3242867 (VCV003242867.1).

ClinVar aggregate classification (germline): Pathogenic (1 of 4 stars; one submission).

Conditions:
Neurofibromatosis, type 1 (NF1). Also called: VON RECKLINGHAUSEN DISEASE; Neurofibromatosis, type I; Peripheral type neurofibromatosis; NEUROFIBROMATOSIS, TYPE I, SOMATIC. Identifiers: Orphanet 636, MedGen C0027831, MONDO:0018975, OMIM 162200. Disease mechanism: loss of function.

Submission:

Labcorp Genetics (formerly Invitae), Labcorp
Classification: Pathogenic for Neurofibromatosis, type 1. Last evaluated: 2023-05-25. Review status: criteria provided, single submitter. Criteria: Invitae Variant Classification Sherloc (09022015). Collection method: clinical testing. Allele origin: unknown.
Comment: For these reasons, this variant has been classified as Pathogenic. This variant has not been reported in the literature in individuals affected with NF1-related conditions. This variant is a gross deletion of the genomic region encompassing exon(s) 36-55 of the NF1 gene. This deletion is out-of-frame, and is expected to create a premature termination codon and result in an absent or disrupted protein product. Loss-of-function variants in NF1 are known to be pathogenic (PMID: 10712197, 23913538).

Literature cited by the submitters: PubMed 10712197; PubMed 23913538.